The following is an entry in ClinVar:

ClinVar aggregate classification (germline): Uncertain significance (1 of 4 stars; one submission).

Conditions:
Charcot-Marie-Tooth disease axonal type 2O. Also called: CHARCOT-MARIE-TOOTH NEUROPATHY, AXONAL, TYPE 2O; CHARCOT-MARIE-TOOTH DISEASE, AXONAL, AUTOSOMAL DOMINANT, TYPE 2O; Charcot-Marie-Tooth Neuropathy Type 2O; Charcot-Marie-Tooth disease, axonal, type 20. Identifiers: Orphanet 284232, MedGen C3280220, MONDO:0013644, OMIM 614228.

Allele frequency attached by ClinVar (database versions not stated): gnomAD exomes below 0.00001.
gnomAD v4.1: 1 of 1,614,148 alleles (0.000062%); highest among the groups gnomAD compares: Non-Finnish European, 0.000085%; no homozygotes.

Submission:

Labcorp Genetics (formerly Invitae), Labcorp
Classification: Uncertain significance for Charcot-Marie-Tooth disease axonal type 2O. Last evaluated: 2017-06-08. Review status: criteria provided, single submitter. Criteria: Invitae Variant Classification Sherloc (09022015). Collection method: clinical testing. Allele origin: germline.
Comment: This sequence change replaces valine with alanine at codon 2958 of the DYNC1H1 protein (p.Val2958Ala). The valine residue is highly conserved and there is a small physicochemical difference between valine and alanine. This variant is not present in population databases (ExAC no frequency). This variant has not been reported in the literature in individuals with a DYNC1H1-related disease. Algorithms developed to predict the effect of missense changes on protein structure and function do not agree on the potential impact of this missense change (SIFT: "Deleterious"; PolyPhen-2: "Possibly Damaging"; Align-GVGD: "Class C0"). In summary, this variant has uncertain impact on DYNC1H1 function. The available evidence is currently insufficient to determine its role in disease. Therefore, it has been classified as a Variant of Uncertain Significance.

NM_001376.5(DYNC1H1):c.8873T>C (p.Val2958Ala)

Gene: DYNC1H1 (dynein cytoplasmic 1 heavy chain 1; plus strand). Cytogenetic location: 14q32.31.
Variant type: single nucleotide variant.
Coding change: c.8873T>C on transcript NM_001376.5 (MANE Select); coding-DNA position 8873, T replaced by C.
Protein change: p.Val2958Ala; replaces valine 2958 with alanine.
Molecular consequence: missense variant.
Genome position (GRCh38, 1-based): chr14:102,027,275, T>C. VCF-style: chr14-102027275-T-C. GRCh37 (hg19) VCF-style: chr14-102493612-T-C.
Other names: short protein forms V2958A.
Identifiers: ClinVar variation 472559 (VCV000472559.1), dbSNP rs1555410902, ClinGen allele CA391010203.